The following is an entry in ClinVar:

ClinVar aggregate classification (germline): Likely pathogenic (1 of 4 stars; one submission).

Conditions:
Charcot-Marie-Tooth disease type 2. Also called: Charcot-Marie-Tooth type 2. Identifiers: Orphanet 64746, MedGen C0270914, MONDO:0018993.

Submission:

Labcorp Genetics (formerly Invitae), Labcorp
Classification: Likely pathogenic for Charcot-Marie-Tooth disease type 2. Last evaluated: 2023-03-23. Review status: criteria provided, single submitter. Criteria: Invitae Variant Classification Sherloc (09022015). Collection method: clinical testing. Allele origin: germline.
Comment: This sequence change replaces arginine, which is basic and polar, with glycine, which is neutral and non-polar, at codon 89 of the LMNA protein (p.Arg89Gly). This variant is not present in population databases (gnomAD no frequency). This missense change has been observed in individual(s) with arrhythmogenic cardiomyopathy (Invitae). ClinVar contains an entry for this variant (Variation ID: 959029). Advanced modeling of protein sequence and biophysical properties (such as structural, functional, and spatial information, amino acid conservation, physicochemical variation, residue mobility, and thermodynamic stability) performed at Invitae indicates that this missense variant is expected to disrupt LMNA protein function. This variant disrupts the p.Arg89 amino acid residue in LMNA. Other variant(s) that disrupt this residue have been determined to be pathogenic (PMID: 12628721, 20160190, 23582089, 23702046, 26567375). This suggests that this residue is clinically significant, and that variants that disrupt this residue are likely to be disease-causing. In summary, the currently available evidence indicates that the variant is pathogenic, but additional data are needed to prove that conclusively. Therefore, this variant has been classified as Likely Pathogenic.

Literature cited by the submitters: PubMed 12628721; PubMed 20160190; PubMed 23582089; PubMed 23702046; PubMed 26567375.

NM_170707.4(LMNA):c.265C>G (p.Arg89Gly)

Gene: LMNA (lamin A/C; plus strand). Cytogenetic location: 1q22.
Variant type: single nucleotide variant.
Coding change: c.265C>G on transcript NM_170707.4 (MANE Select); coding-DNA position 265, C replaced by G.
Protein change: p.Arg89Gly; replaces arginine 89 with glycine.
Molecular consequence: missense variant.
Genome position (GRCh38, 1-based): chr1:156,115,183, C>G. VCF-style: chr1-156115183-C-G. GRCh37 (hg19) VCF-style: chr1-156084974-C-G.
Other names: c.265C>G, p.Arg89Gly (NM_001282625.2, NM_001282626.2, NM_005572.4 and 1 more transcripts); short protein forms R89G.
Identifiers: ClinVar variation 959029 (VCV000959029.9), dbSNP rs267607559, ClinGen allele CA342808520.